The following is an entry in ClinVar:

ClinVar aggregate classification (germline): Benign (0 of 4 stars; one submission).

Conditions:
CD207-related disorder. Also called: CD207-related condition.

Allele frequency attached by ClinVar (database versions not stated): 1000 Genomes Project 30x 0.28310; ESP Exome Variant Server 0.28319; 1000 Genomes Project 0.28435; TOPMed 0.29448; gnomAD 0.29693; ExAC 0.32871; gnomAD exomes 0.34623.
gnomAD v4.1: 550,116 of 1,612,328 alleles (34%); highest among the groups gnomAD compares: Admixed American, 39%; 96,343 homozygotes.

Submission:

PreventionGenetics, part of Exact Sciences
Classification: Benign for CD207-related condition. Last evaluated: 2019-10-18. Review status: no assertion criteria provided. Collection method: clinical testing. Allele origin: germline.
Comment: This variant is classified as benign based on ACMG/AMP sequence variant interpretation guidelines (Richards et al. 2015 PMID: 25741868, with internal and published modifications).

NM_015717.5(CD207):c.164C>T (p.Ala55Val)

Gene: CD207 (CD207 molecule; minus strand). Cytogenetic location: 2p13.3.
Variant type: single nucleotide variant.
Coding change: c.164C>T on transcript NM_015717.5 (MANE Select); coding-DNA position 164, C replaced by T.
Protein change: p.Ala55Val; replaces alanine 55 with valine.
Molecular consequence: missense variant.
Genome position (GRCh38, 1-based): chr2:70,835,517, G>A on the plus strand (C>T on the coding strand, the complement: CD207 is on the minus strand). VCF-style: chr2-70835517-G-A. GRCh37 (hg19) VCF-style: chr2-71062648-G-A.
Other names: short protein forms A55V.
Identifiers: ClinVar variation 3059383 (VCV003059383.2), dbSNP rs10489990, ClinGen allele CA1700486.